The following is an entry in ClinVar:

ClinVar aggregate classification (germline): Likely benign. Review status: criteria provided, single submitter (1 of 4 stars). 2 submissions from 2 submitters: Likely benign (1). 1 of the submissions does not count toward it. Last evaluated 2025-11-01.

Conditions:
ZFHX4-related disorder. Also called: ZFHX4-related condition.

Allele frequency attached by ClinVar (database versions not stated): gnomAD 0.00011; 1000 Genomes Project 30x 0.00016; 1000 Genomes Project 0.00020.
gnomAD v4.1: 85 of 1,613,638 alleles (0.0053%); highest among the groups gnomAD compares: African/African-American, 0.027%; no homozygotes.

Submissions (2):

CeGaT Center for Human Genetics Tuebingen
Classification: Likely benign. Last evaluated: 2025-11-01. Review status: criteria provided, single submitter. Criteria: CeGaT Center For Human Genetics Tuebingen Variant Classification Criteria Version 2. Collection method: clinical testing. Allele origin: germline. Affected: yes. Observed: 1 variant allele.
Comment: ZFHX4: BP4, BP7

PreventionGenetics, part of Exact Sciences
Classification: Likely benign for ZFHX4-related condition. Last evaluated: 2019-06-24. Review status: no assertion criteria provided. Collection method: clinical testing. Allele origin: germline. Not counted in ClinVar's aggregate classification.
Comment: This variant is classified as likely benign based on ACMG/AMP sequence variant interpretation guidelines (Richards et al. 2015 PMID: 25741868, with internal and published modifications).

NM_024721.5(ZFHX4):c.4419C>T (p.Ser1473=)

Gene: ZFHX4 (zinc finger homeobox 4; plus strand). Cytogenetic location: 8q21.13.
Variant type: single nucleotide variant.
Coding change: c.4419C>T on transcript NM_024721.5 (MANE Select); coding-DNA position 4419, C replaced by T.
Protein change: p.Ser1473=; no amino-acid change (serine 1473 retained).
Molecular consequence: synonymous variant.
Genome position (GRCh38, 1-based): chr8:76,851,340, C>T. VCF-style: chr8-76851340-C-T. GRCh37 (hg19) VCF-style: chr8-77763576-C-T.
Other names: c.4341C>T, p.Ser1447= (NM_001410934.1).
Identifiers: ClinVar variation 3043055 (VCV003043055.8), dbSNP rs540974936, ClinGen allele CA4787507.